The following is an entry in ClinVar:

NM_006996.3(SLC19A2):c.1276G>A (p.Val426Ile)

Gene: SLC19A2 (solute carrier family 19 member 2; minus strand). Cytogenetic location: 1q24.2.
Variant type: single nucleotide variant.
Coding change: c.1276G>A on transcript NM_006996.3 (MANE Select); coding-DNA position 1276, G replaced by A.
Protein change: p.Val426Ile; replaces valine 426 with isoleucine.
Molecular consequence: missense variant.
Genome position (GRCh38, 1-based): chr1:169,468,200, C>T on the plus strand (G>A on the coding strand, the complement: SLC19A2 is on the minus strand). VCF-style: chr1-169468200-C-T. GRCh37 (hg19) VCF-style: chr1-169437438-C-T.
Other names: c.673G>A, p.Val225Ile (NM_001319667.1); c.1276G>A (NM_006996.2); short protein forms V225I, V426I.
Identifiers: ClinVar variation 917417 (VCV000917417.7), dbSNP rs1231702573, ClinGen allele CA343126522.

ClinVar aggregate classification (germline): Conflicting classifications of pathogenicity. Review status: criteria provided, conflicting classifications (1 of 4 stars). 3 submissions from 3 submitters: Uncertain significance (2); Likely benign (1). Last evaluated 2025-06-03.

Conditions:
Monogenic diabetes. Identifiers: Orphanet 183625, MedGen C3888631, MONDO:0015967.
Inborn genetic diseases. Identifiers: MedGen C0950123, MeSH D030342.

Allele frequency attached by ClinVar (database versions not stated): TOPMed below 0.00001; gnomAD 0.00001; gnomAD exomes 0.00002; 1000 Genomes Project 30x 0.00031.
gnomAD v4.1: 11 of 1,613,716 alleles (0.00068%); highest among the groups gnomAD compares: South Asian, 0.0011%; no homozygotes.

Submissions (3):

Ambry Genetics
Classification: Uncertain significance for Inborn genetic diseases. Last evaluated: 2025-06-03. Review status: criteria provided, single submitter. Criteria: Ambry Variant Classification Scheme 2023. Collection method: clinical testing. Allele origin: germline.

Blueprint Genetics
Classification: Uncertain significance. Last evaluated: 2023-10-20. Review status: criteria provided, single submitter. Criteria: ACMG Guidelines, 2015. Collection method: clinical testing. Allele origin: germline.

Personalized Diabetes Medicine Program, University of Maryland School of Medicine
Classification: Likely benign for Monogenic diabetes. Last evaluated: 2017-12-01. Review status: criteria provided, single submitter. Criteria: ACMG Guidelines, 2015. Collection method: research. Allele origin: unknown. Observed: 1 variant allele, 1 heterozygote.
Comment: ACMG criteria: PP3 (5 predictors), BP4 (6 predictors), BP5 (alternate cause) = likely benign